The following is an entry in ClinVar:

NM_006445.4(PRPF8):c.601G>A (p.Ala201Thr)

Gene: PRPF8 (pre-mRNA processing factor 8; minus strand). Cytogenetic location: 17p13.3.
Variant type: single nucleotide variant.
Coding change: c.601G>A on transcript NM_006445.4 (MANE Select); coding-DNA position 601, G replaced by A.
Protein change: p.Ala201Thr; replaces alanine 201 with threonine.
Molecular consequence: missense variant.
Genome position (GRCh38, 1-based): chr17:1,681,872, C>T on the plus strand (G>A on the coding strand, the complement: PRPF8 is on the minus strand). VCF-style: chr17-1681872-C-T. GRCh37 (hg19) VCF-style: chr17-1585166-C-T.
Other names: short protein forms A201T.
Identifiers: ClinVar variation 951608 (VCV000951608.8), dbSNP rs745619115, ClinGen allele CA8272594.

ClinVar aggregate classification (germline): Uncertain significance. Review status: criteria provided, multiple submitters, no conflicts (2 of 4 stars). 2 submissions from 2 submitters: Uncertain significance (2). Last evaluated 2025-03-28.

Conditions:
Inborn genetic diseases. Identifiers: MedGen C0950123, MeSH D030342.

Allele frequency attached by ClinVar (database versions not stated): ExAC 0.00001; gnomAD 0.00001; gnomAD exomes 0.00001 and 0.00002; TOPMed 0.00001.
gnomAD v4.1: 9 of 1,613,892 alleles (0.00056%); highest among the groups gnomAD compares: Admixed American, 0.012%; no homozygotes.

Submissions (2):

Labcorp Genetics (formerly Invitae), Labcorp
Classification: Uncertain significance. Last evaluated: 2025-03-28. Review status: criteria provided, single submitter. Criteria: Invitae Variant Classification Sherloc (09022015). Collection method: clinical testing. Allele origin: germline.
Comment: This sequence change replaces alanine, which is neutral and non-polar, with threonine, which is neutral and polar, at codon 201 of the PRPF8 protein (p.Ala201Thr). This variant is present in population databases (rs745619115, gnomAD 0.01%). This missense change has been observed in individual(s) with clinical features of PRPF8-related conditions (internal data). ClinVar contains an entry for this variant (Variation ID: 951608). Invitae Evidence Modeling of protein sequence and biophysical properties (such as structural, functional, and spatial information, amino acid conservation, physicochemical variation, residue mobility, and thermodynamic stability) indicates that this missense variant is not expected to disrupt PRPF8 protein function with a negative predictive value of 80%. In summary, the available evidence is currently insufficient to determine the role of this variant in disease. Therefore, it has been classified as a Variant of Uncertain Significance.

Ambry Genetics
Classification: Uncertain significance for Inborn genetic diseases. Last evaluated: 2025-03-05. Review status: criteria provided, single submitter. Criteria: Ambry Variant Classification Scheme 2023. Collection method: clinical testing. Allele origin: germline.